The following is an entry in ClinVar:

NM_000212.3(ITGB3):c.349C>T (p.Arg117Trp)

Gene: ITGB3 (integrin subunit beta 3; plus strand). Cytogenetic location: 17q21.32.
Variant type: single nucleotide variant.
Coding change: c.349C>T on transcript NM_000212.3 (MANE Select); coding-DNA position 349, C replaced by T.
Protein change: p.Arg117Trp; replaces arginine 117 with tryptophan.
Molecular consequence: missense variant.
Genome position (GRCh38, 1-based): chr17:47,283,537, C>T. VCF-style: chr17-47283537-C-T. GRCh37 (hg19) VCF-style: chr17-45360903-C-T.
Other names: short protein forms R117W.
Identifiers: ClinVar variation 988836 (VCV000988836.2), dbSNP rs777748046, ClinGen allele CA8622921.

ClinVar aggregate classification (germline): Likely pathogenic. Review status: criteria provided, single submitter (1 of 4 stars). 2 submissions from 2 submitters: Likely pathogenic (1). 1 of the submissions does not count toward it. Last evaluated 2025-05-30.

Conditions:
Glanzmann thrombasthenia 2. Also called: BLEEDING DISORDER, PLATELET-TYPE, 23. Identifiers: MedGen C5543273, MONDO:0031009, OMIM 619267.
Thrombocytopenia. Identifiers: MedGen C0040034, MeSH D013921, MONDO:0002049, HP:0001873.
Abnormal bleeding. Also called: Bleeding diathesis. Identifiers: MedGen C1458140, HP:0001892.

Allele frequency attached by ClinVar (database versions not stated): ExAC 0.00001; gnomAD 0.00001; gnomAD exomes below 0.00001 and 0.00001; TOPMed 0.00002.
gnomAD v4.1: 8 of 1,614,066 alleles (0.0005%); highest among the groups gnomAD compares: African/African-American, 0.0013%; no homozygotes.

Submissions (2):

First Genomix Gene Laboratory, Genetic Diagnostics Department
Classification: Likely pathogenic for Glanzmann thrombasthenia 2. Last evaluated: 2025-05-30. Review status: criteria provided, single submitter. Criteria: ACMG Guidelines, 2015. Collection method: clinical testing. Allele origin: germline. Inheritance: Autosomal recessive inheritance. Affected: no. Observed: 1 variant allele.

Birmingham Platelet Group; University of Birmingham
Classification: Likely pathogenic for Thrombocytopenia; Abnormal bleeding. Last evaluated: 2020-05-01. Review status: no assertion criteria provided. Collection method: research. Allele origin: germline. Affected: yes. Not counted in ClinVar's aggregate classification.